The following is an entry in ClinVar:

NM_016030.6(TRAPPC12):c.1123G>T (p.Asp375Tyr)

Gene: TRAPPC12 (trafficking protein particle complex subunit 12; plus strand). Cytogenetic location: 2p25.3.
Variant type: single nucleotide variant.
Coding change: c.1123G>T on transcript NM_016030.6 (MANE Select); coding-DNA position 1123, G replaced by T.
Protein change: p.Asp375Tyr; replaces aspartic acid 375 with tyrosine.
Molecular consequence: missense variant.
Genome position (GRCh38, 1-based): chr2:3,401,852, G>T. VCF-style: chr2-3401852-G-T. GRCh37 (hg19) VCF-style: chr2-3405623-G-T.
Other names: c.1123G>T, p.Asp375Tyr (NM_001321102.2); short protein forms D375Y.
Identifiers: ClinVar variation 1352752 (VCV001352752.4), dbSNP rs143418079, ClinGen allele CA1515301.

ClinVar aggregate classification (germline): Uncertain significance (1 of 4 stars; one submission).

Allele frequency attached by ClinVar (database versions not stated): ESP Exome Variant Server 0.00046.
gnomAD v4.1: 778 of 1,599,996 alleles (0.049%); highest among the groups gnomAD compares: Non-Finnish European, 0.062%; 2 homozygotes.

Submission:

Labcorp Genetics (formerly Invitae), Labcorp
Classification: Uncertain significance. Last evaluated: 2021-12-08. Review status: criteria provided, single submitter. Criteria: Invitae Variant Classification Sherloc (09022015). Collection method: clinical testing. Allele origin: germline.
Comment: In summary, the available evidence is currently insufficient to determine the role of this variant in disease. Therefore, it has been classified as a Variant of Uncertain Significance. Algorithms developed to predict the effect of missense changes on protein structure and function are either unavailable or do not agree on the potential impact of this missense change (SIFT: "Not Available"; PolyPhen-2: "Possibly Damaging"; Align-GVGD: "Not Available"). This variant has not been reported in the literature in individuals affected with TRAPPC12-related conditions. This variant is present in population databases (rs143418079, gnomAD 0.1%), and has an allele count higher than expected for a pathogenic variant. This sequence change replaces aspartic acid, which is acidic and polar, with tyrosine, which is neutral and polar, at codon 375 of the TRAPPC12 protein (p.Asp375Tyr).